The following is an entry in ClinVar:

ClinVar aggregate classification (germline): Likely pathogenic (1 of 4 stars; one submission).

Submission:

GeneDx
Classification: Likely pathogenic. Last evaluated: 2017-05-10. Review status: criteria provided, single submitter. Criteria: GeneDx Variant Classification (06012015). Collection method: clinical testing. Allele origin: germline. Affected: yes.
Comment: The E105V variant in the HUWE1 gene has not been reported previously as a pathogenic variant, nor as a benign variant, to our knowledge. The E105V variant was not observed in approximately 6,500 individuals of European and African American ancestry in the NHLBI Exome Sequencing Project, indicating it is not a common benign variant in these populations. The E105V variant is a non-conservative amino acid substitution, which is likely to impact secondary protein structure as these residues differ in polarity, charge, size and/or other properties. This substitution occurs at a position that is conserved across species. In silico analysis predicts this variant is probably damaging to the protein structure/function. The E105V variant is a strong candidate for a pathogenic variant, however the possibility it may be a rare benign variant cannot be excluded.

NM_031407.7(HUWE1):c.314A>T (p.Glu105Val)

Gene: HUWE1 (HECT, UBA and WWE domain containing E3 ubiquitin protein ligase 1; minus strand). Cytogenetic location: Xp11.22.
Variant type: single nucleotide variant.
Coding change: c.314A>T on transcript NM_031407.7 (MANE Select); coding-DNA position 314, A replaced by T.
Protein change: p.Glu105Val; replaces glutamic acid 105 with valine.
Molecular consequence: missense variant.
Genome position (GRCh38, 1-based): chrX:53,647,405, T>A on the plus strand (A>T on the coding strand, the complement: HUWE1 is on the minus strand). VCF-style: chrX-53647405-T-A. GRCh37 (hg19) VCF-style: chrX-53674348-T-A.
Other names: short protein forms E105V.
Identifiers: ClinVar variation 383949 (VCV000383949.2), dbSNP rs1057521796, ClinGen allele CA16609198.